The following is an entry in ClinVar:

ClinVar aggregate classification (germline): Uncertain significance (1 of 4 stars; one submission).

gnomAD v4.1: 8 of 1,614,098 alleles (0.0005%); highest among the groups gnomAD compares: Middle Eastern, 0.016%; no homozygotes.

Submission:

Labcorp Genetics (formerly Invitae), Labcorp
Classification: Uncertain significance. Last evaluated: 2025-09-30. Review status: criteria provided, single submitter. Criteria: Invitae Variant Classification Sherloc (09022015). Collection method: clinical testing. Allele origin: germline.
Comment: This sequence change replaces arginine, which is basic and polar, with glutamine, which is neutral and polar, at codon 1251 of the MYH3 protein (p.Arg1251Gln). This variant is present in population databases (no rsID available, gnomAD 0.006%). This variant has not been reported in the literature in individuals affected with MYH3-related conditions. Invitae Evidence Modeling of protein sequence and biophysical properties (such as structural, functional, and spatial information, amino acid conservation, physicochemical variation, residue mobility, and thermodynamic stability) indicates that this missense variant is not expected to disrupt MYH3 protein function with a negative predictive value of 95%. In summary, the available evidence is currently insufficient to determine the role of this variant in disease. Therefore, it has been classified as a Variant of Uncertain Significance.

NM_002470.4(MYH3):c.3752G>A (p.Arg1251Gln)

Gene: MYH3 (myosin heavy chain 3; minus strand). Cytogenetic location: 17p13.1.
Variant type: single nucleotide variant.
Coding change: c.3752G>A on transcript NM_002470.4 (MANE Select); coding-DNA position 3752, G replaced by A.
Protein change: p.Arg1251Gln; replaces arginine 1251 with glutamine.
Molecular consequence: missense variant.
Genome position (GRCh38, 1-based): chr17:10,637,913, C>T on the plus strand (G>A on the coding strand, the complement: MYH3 is on the minus strand). VCF-style: chr17-10637913-C-T. GRCh37 (hg19) VCF-style: chr17-10541230-C-T.
Other names: short protein forms R1251Q.
Identifiers: ClinVar variation 4694906 (VCV004694906.1).
Genomic context (GRCh38, chr17:10,637,913, plus strand): 5'-AGGCTCCTCTGAATTTCCTCATTCTTGCCCCTGGCCTCACTTAACTGATCCTCCAGGGTT[C>T]GGCAGATTTTTTCCAGATTTGCCTGAAGGATTCAGAAAGGGGAGCAAAGTCAGTCAGCAA-3'
Protein context (NP_002461.2, residues 1241-1261): KSKANLEKIC[Arg1251Gln]TLEDQLSEAR